The following is an entry in ClinVar:

NM_181703.4(GJA5):c.974A>G (p.Asn325Ser)

Gene: GJA5 (gap junction protein alpha 5; minus strand). Cytogenetic location: 1q21.2.
Variant type: single nucleotide variant.
Coding change: c.974A>G on transcript NM_181703.4 (MANE Select); coding-DNA position 974, A replaced by G.
Protein change: p.Asn325Ser; replaces asparagine 325 with serine.
Molecular consequence: missense variant.
Genome position (GRCh38, 1-based): chr1:147,758,265, T>C on the plus strand (A>G on the coding strand, the complement: GJA5 is on the minus strand). VCF-style: chr1-147758265-T-C. GRCh37 (hg19) VCF-style: chr1-147230373-T-C.
Other names: c.974A>G, p.Asn325Ser (NM_005266.7); short protein forms N325S.
Identifiers: ClinVar variation 1465384 (VCV001465384.8), dbSNP rs145523099, ClinGen allele CA1065667.
Genomic context (GRCh38, chr1:147,758,265, plus strand): 5'-CTAAGACGTCGCTTGTCACTATGATAGCCATGGGGAAGGCGGTGACCTGGTGAGACTCCA[T>C]TGGGCACCTCAGGCTTCTGGCCATAACGAACCTGGATGAAACCTTCCCCAGGAGTCTGCT-3'
Protein context (NP_859054.1, residues 315-335): VRYGQKPEVP[Asn325Ser]GVSPGHRLPH

ClinVar aggregate classification (germline): Uncertain significance (1 of 4 stars; one submission).

Conditions:
Atrial standstill 1 (ATRST1). Also called: Atrial standstill, digenic (GJA5/SCN5A); ATRIAL CARDIOMYOPATHY WITH HEART BLOCK; CARDIOMYOPATHY, FAMILIAL, WITH CONDUCTION DISTURBANCE. Identifiers: Orphanet 1344, MedGen C4551959, MONDO:0007171, OMIM 108770.
Atrial fibrillation, familial, 11 (ATFB11). Identifiers: MedGen C3279693, MONDO:0013544, OMIM 614049.

Allele frequency attached by ClinVar (database versions not stated): ExAC 0.00002; gnomAD exomes 0.00002 and 0.00003; gnomAD 0.00004; ESP Exome Variant Server 0.00008.

Submission:

Labcorp Genetics (formerly Invitae), Labcorp
Classification: Uncertain significance for Atrial fibrillation, familial, 11; Atrial standstill 1. Last evaluated: 2026-01-26. Review status: criteria provided, single submitter. Criteria: Invitae Variant Classification Sherloc (09022015). Collection method: clinical testing. Allele origin: germline.
Comment: This sequence change replaces asparagine, which is neutral and polar, with serine, which is neutral and polar, at codon 325 of the GJA5 protein (p.Asn325Ser). This variant is present in population databases (rs145523099, gnomAD 0.003%). This variant has not been reported in the literature in individuals affected with GJA5-related conditions. ClinVar contains an entry for this variant (Variation ID: 1465384). An algorithm developed to predict the effect of missense changes on protein structure and function outputs the following: PolyPhen-2: "Benign". The serine amino acid residue is found in multiple mammalian species, which suggests that this missense change does not adversely affect protein function. In summary, the available evidence is currently insufficient to determine the role of this variant in disease. Therefore, it has been classified as a Variant of Uncertain Significance.